The following is an entry in ClinVar:

ClinVar aggregate classification (germline): Uncertain significance (1 of 4 stars; one submission).

Conditions:
Paget disease of bone 2, early-onset (PDB2). Also called: Paget disease of bone 2. Identifiers: MedGen C4085251, MONDO:0011183, OMIM 602080.
Frontotemporal dementia and/or amyotrophic lateral sclerosis 1 (FTDALS1). Also called: C9orf72 Frontotemporal Dementia and/or Amyotrophic Lateral Sclerosis; Frontotemporal dementia with motor neuron disease 1. Identifiers: Orphanet 275872, MedGen C5779877, MONDO:0007105, OMIM 105550.

Allele frequency attached by ClinVar (database versions not stated): gnomAD exomes below 0.00001.

Submission:

Labcorp Genetics (formerly Invitae), Labcorp
Classification: Uncertain significance for Paget disease of bone 2, early-onset; Frontotemporal dementia and/or amyotrophic lateral sclerosis 1. Last evaluated: 2022-12-06. Review status: criteria provided, single submitter. Criteria: Invitae Variant Classification Sherloc (09022015). Collection method: clinical testing. Allele origin: germline.
Comment: In summary, the available evidence is currently insufficient to determine the role of this variant in disease. Therefore, it has been classified as a Variant of Uncertain Significance. Advanced modeling of protein sequence and biophysical properties (such as structural, functional, and spatial information, amino acid conservation, physicochemical variation, residue mobility, and thermodynamic stability) performed at Invitae indicates that this missense variant is not expected to disrupt SQSTM1 protein function. This variant has not been reported in the literature in individuals affected with SQSTM1-related conditions. This variant is not present in population databases (gnomAD no frequency). This sequence change replaces asparagine, which is neutral and polar, with aspartic acid, which is acidic and polar, at codon 330 of the SQSTM1 protein (p.Asn330Asp).

NM_003900.5(SQSTM1):c.988A>G (p.Asn330Asp)

Gene: SQSTM1 (sequestosome 1; plus strand). Cytogenetic location: 5q35.3.
Variant type: single nucleotide variant.
Coding change: c.988A>G on transcript NM_003900.5 (MANE Select); coding-DNA position 988, A replaced by G.
Protein change: p.Asn330Asp; replaces asparagine 330 with aspartic acid.
Molecular consequence: missense variant.
Genome position (GRCh38, 1-based): chr5:179,833,605, A>G. VCF-style: chr5-179833605-A-G. GRCh37 (hg19) VCF-style: chr5-179260605-A-G.
Other names: c.736A>G, p.Asn246Asp (NM_001142298.2, NM_001142299.2); short protein forms N246D, N330D.
Identifiers: ClinVar variation 2931971 (VCV002931971.3), dbSNP rs1758352713, ClinGen allele CA362452379.